The following is an entry in ClinVar:

ClinVar aggregate classification (germline): Uncertain significance (1 of 4 stars; one submission).

Allele frequency attached by ClinVar (database versions not stated): gnomAD exomes below 0.00001; gnomAD 0.00001; TOPMed 0.00001.

Submission:

Women's Health and Genetics/Laboratory Corporation of America, LabCorp
Classification: Uncertain significance. Last evaluated: 2023-08-02. Review status: criteria provided, single submitter. Criteria: LabCorp Variant Classification Summary - May 2015. Collection method: clinical testing. Allele origin: germline.
Comment: Variant summary: CFTR c.2419A>G (p.Ile807Val) results in a conservative amino acid change located in the regulator domain (IPR025837) of the encoded protein sequence. Three of five in-silico tools predict a benign effect of the variant on protein function. The variant was absent in 179550 control chromosomes (gnomAD v2.1 Exomes dataset). The available data on variant occurrences in the general population are insufficient to allow any conclusion about variant significance. To our knowledge, no occurrence of c.2419A>G in individuals affected with Cystic Fibrosis and no experimental evidence demonstrating its impact on protein function have been reported. No submitters have reported clinical-significance assessments for this variant to ClinVar after 2014. Based on the evidence outlined above, the variant was classified as uncertain significance.

NM_000492.4(CFTR):c.2419A>G (p.Ile807Val)

Gene: CFTR (CF transmembrane conductance regulator; plus strand). Cytogenetic location: 7q31.2.
Variant type: single nucleotide variant.
Coding change: c.2419A>G on transcript NM_000492.4 (MANE Select); coding-DNA position 2419, A replaced by G.
Protein change: p.Ile807Val; replaces isoleucine 807 with valine.
Molecular consequence: missense variant.
Genome position (GRCh38, 1-based): chr7:117,592,586, A>G. VCF-style: chr7-117592586-A-G. GRCh37 (hg19) VCF-style: chr7-117232640-A-G.
Other names: short protein forms I807V.
Identifiers: ClinVar variation 2581700 (VCV002581700.1), dbSNP rs1351452625, ClinGen allele CA368981205.